The following is an entry in ClinVar:

ClinVar aggregate classification (germline): Likely pathogenic (1 of 4 stars; one submission).

Conditions:
Hereditary antithrombin deficiency (AT3D). Also called: Antithrombin deficiency; Antithrombin III deficiency; Reduced antithrombin III activity; Thrombophilia due to antithrombin III deficiency. Identifiers: Orphanet 82, MedGen C0272375, MONDO:0013144, OMIM 613118, HP:0001976.

Allele frequency attached by ClinVar (database versions not stated): TOPMed below 0.00001.
gnomAD v4.1: 1 of 1,614,022 alleles (0.000062%); highest among the groups gnomAD compares: African/African-American, 0.0013%; no homozygotes.

Submission:

Labcorp Genetics (formerly Invitae), Labcorp
Classification: Likely pathogenic for Hereditary antithrombin deficiency. Last evaluated: 2024-07-08. Review status: criteria provided, single submitter. Criteria: Invitae Variant Classification Sherloc (09022015). Collection method: clinical testing. Allele origin: germline.
Comment: This sequence change replaces serine, which is neutral and polar, with tryptophan, which is neutral and slightly polar, at codon 426 of the SERPINC1 protein (p.Ser426Trp). This variant is not present in population databases (gnomAD no frequency). This missense change has been observed in individuals with features of antithrombin III deficiency (PMID: 28174134, 29296762, 36764659; Invitae). ClinVar contains an entry for this variant (Variation ID: 1403128). Advanced modeling of protein sequence and biophysical properties (such as structural, functional, and spatial information, amino acid conservation, physicochemical variation, residue mobility, and thermodynamic stability) performed at Invitae indicates that this missense variant is expected to disrupt SERPINC1 protein function with a positive predictive value of 80%. This variant disrupts the p.Ser426 amino acid residue in SERPINC1. Other variant(s) that disrupt this residue have been determined to be pathogenic (PMID: 2602168, 3512602, 3563966, 18954896, 20088933, 25298121). This suggests that this residue is clinically significant, and that variants that disrupt this residue are likely to be disease-causing. In summary, the currently available evidence indicates that the variant is pathogenic, but additional data are needed to prove that conclusively. Therefore, this variant has been classified as Likely Pathogenic.

Literature cited by the submitters: PubMed 28174134; PubMed 29296762; PubMed 36764659; PubMed 2602168; PubMed 3512602; PubMed 3563966; PubMed 18954896; PubMed 20088933; PubMed 25298121.

NM_000488.4(SERPINC1):c.1277C>G (p.Ser426Trp)

Gene: SERPINC1 (serpin family C member 1; minus strand). Cytogenetic location: 1q25.1.
Variant type: single nucleotide variant.
Coding change: c.1277C>G on transcript NM_000488.4 (MANE Select); coding-DNA position 1277, C replaced by G.
Protein change: p.Ser426Trp; replaces serine 426 with tryptophan.
Molecular consequence: missense variant.
Genome position (GRCh38, 1-based): chr1:173,904,007, G>C on the plus strand (C>G on the coding strand, the complement: SERPINC1 is on the minus strand). VCF-style: chr1-173904007-G-C. GRCh37 (hg19) VCF-style: chr1-173873145-G-C.
Other names: c.1133C>G, p.Ser378Trp (NM_001365052.2); c.1400C>G, p.Ser467Trp (NM_001386302.1); c.1358C>G, p.Ser453Trp (NM_001386303.1); c.1256C>G, p.Ser419Trp (NM_001386304.1); c.1220C>G, p.Ser407Trp (NM_001386305.1); c.1061C>G, p.Ser354Trp (NM_001386306.1); short protein forms S378W, S354W, S407W, S453W, S426W, S419W, S467W.
Identifiers: ClinVar variation 1403128 (VCV001403128.6), dbSNP rs121909550, ClinGen allele CA343772578.